The following is an entry in ClinVar:

NC_000011.10:g.394005_419906dup

Genes: ANO9 (anoctamin 9; minus strand), PKP3 (plakophilin 3; plus strand), SIGIRR (single Ig and TIR domain containing; minus strand), LOC130005062 (ATAC-STARR-seq lymphoblastoid silent region 2998; plus strand), LOC130005063 (ATAC-STARR-seq lymphoblastoid silent region 2999; plus strand) and 5 more. Cytogenetic location: 11p15.5.
Variant type: Duplication.
Identifiers: ClinVar variation 157194 (VCV000157194.2).

ClinVar aggregate classification (germline): not provided (0 of 4 stars; one submission).

Conditions:
Small for gestational age. Also called: Low birth weight. Identifiers: MedGen C0235991, HP:0001518.

Submission:

Institute of Molecular and Cell Biology, University of Tartu
No classification provided. Condition: Small for gestational age. Review status: no classification provided. Collection method: case-control. Allele origin: unknown. Affected: yes. Study: Kasak2014.
Comment: The study aimed to determine the contribution of copy number variants in the genetic etiology of normal and complicated pregnancies. The samples represented (i) maternal blood DNA drawn from healthy pregnant women during 1st or 2nd trimester and (ii) maternal and paternal blood DNA drawn at term pregnancy cases representing normal and complicated gestations (severe preeclampsia, PE; gestational diabetes, GD; small-for-gestational age newborn, SGA; large-for-gestational age newborn, LGA). We performed CNV calling based on genome-wide genotyping dataset (Illumina HumanOmniExpress-24-v1 BeadChip) by applying three algorithms, QuantiSNP, GADA (Genome Alteration Detection Algorithm) and CNstream in parallel. The acquired CNV calls were merged with HD-CNV (Hotspot Detector for Copy Number Variants) program and only the CNVs predicted by at least two programs, were considered in subsequent analysis.

Literature cited by the submitters: PubMed 25666259.